The following is an entry in ClinVar:

NM_001571.6(IRF3):c.1066C>T (p.Gln356Ter)

Gene: IRF3 (interferon regulatory factor 3; minus strand). Cytogenetic location: 19q13.33.
Variant type: single nucleotide variant.
Coding change: c.1066C>T on transcript NM_001571.6 (MANE Select); coding-DNA position 1066, C replaced by T.
Protein change: p.Gln356Ter; replaces glutamine 356 with a stop codon.
Molecular consequence: nonsense. On other transcripts: missense variant (1), non-coding transcript variant (1).
Genome position (GRCh38, 1-based): chr19:49,660,745, G>A on the plus strand (C>T on the coding strand, the complement: IRF3 is on the minus strand). VCF-style: chr19-49660745-G-A. GRCh37 (hg19) VCF-style: chr19-50164002-G-A.
Other names: c.1082C>T, p.Pro361Leu (NM_001197122.2); c.961C>T, p.Gln321Ter (NM_001197123.2); c.685C>T, p.Gln229Ter (NM_001197124.2); c.628C>T, p.Gln210Ter (NM_001197125.2, NM_001197126.2); c.247C>T, p.Gln83Ter (NM_001197127.2, NM_001197128.2); short protein forms P361L, Q210*, Q229*, Q321*, Q356*, Q83*.
Identifiers: ClinVar variation 2635082 (VCV002635082.1), dbSNP rs2513776130, ClinGen allele CA406885311.

ClinVar aggregate classification (germline): Uncertain significance (1 of 4 stars; one submission).

Conditions:
IRF3-related disorder. Also called: IRF3-related condition.

Submission:

PreventionGenetics, part of Exact Sciences
Classification: Uncertain significance for IRF3-related condition. Last evaluated: 2022-10-26. Review status: criteria provided, single submitter. Criteria: ACMG Guidelines, 2015. Collection method: clinical testing. Allele origin: germline.
Comment: The IRF3 c.1066C>T variant is predicted to result in premature protein termination (p.Gln356*). To our knowledge, this variant has not been reported in the literature or in a large population database, indicating this variant is rare. Of note, loss of function variants have not commonly been reported in the IRF3 gene. At this time, the clinical significance of this variant is uncertain due to the absence of conclusive functional and genetic evidence.